The following is an entry in ClinVar:

ClinVar aggregate classification (germline): Benign. Review status: reviewed by expert panel (3 of 4 stars). 36 submissions from 34 submitters: Benign (1). 35 of the submissions do not count toward it. Last evaluated 2017-06-29.

Conditions:
Hereditary cancer-predisposing syndrome. Also called: Neoplastic Syndromes, Hereditary; Tumor predisposition; Hereditary Cancer Syndrome; Hereditary neoplastic syndrome. Identifiers: Orphanet 140162, MedGen C0027672, MeSH D009386, MONDO:0015356.
Breast and/or ovarian cancer. Identifiers: MedGen CN221562.
Glioma susceptibility 3 (GLM3). Also called: Glioblastoma 3. Identifiers: Orphanet 182067, Orphanet 360, MedGen C2751641, MONDO:0013093, OMIM 613029.
Wilms tumor 1 (WT1). Also called: Wilms tumor, somatic. Identifiers: Orphanet 654, MedGen CN033288, MONDO:0008679, OMIM 194070.
Familial cancer of breast. Also called: Hereditary breast cancer; BREAST CANCER, FAMILIAL; hereditary breast carcinoma. Identifiers: Orphanet 227535, MedGen C0346153, MONDO:0016419, OMIM 114480. Disease mechanism: loss of function.
Prostate cancer. Also called: Malignant tumor of prostate. Identifiers: Orphanet 1331, MedGen C0376358, MONDO:0008315, HP:0012125.
Breast-ovarian cancer, familial, susceptibility to, 2 (BROVCA2). Also called: BRCA2 Hereditary Breast and Ovarian Cancer. Identifiers: Orphanet 145, MedGen C2675520, MONDO:0012933, OMIM 612555. Disease mechanism: loss of function.
Fanconi anemia complementation group D1. Also called: BRCA2-Related Fanconi Anemia. Identifiers: Orphanet 319462, MedGen C1838457, MONDO:0011584, OMIM 605724.
Medulloblastoma (MDB). Also called: Medulloblastoma, somatic; MEDULLOBLASTOMA PREDISPOSITION SYNDROME. Identifiers: Orphanet 616, MedGen C0025149, MeSH D008527, MONDO:0007959, OMIM 155255, HP:0002885.
Pancreatic cancer, susceptibility to, 2. Identifiers: Orphanet 1333, MedGen C3150546, MONDO:0013235, OMIM 613347.
Hereditary breast ovarian cancer syndrome. Also called: Hereditary breast and/or ovarian cancer syndrome; Hereditary breast and ovarian cancer syndrome; Hereditary breast and ovarian cancer; Hereditary breast and ovarian cancer syndrome (HBOC); Breast and ovarian cancer; BRCA1- and BRCA2-Associated Hereditary Breast and Ovarian Cancer. Identifiers: Orphanet 145, MedGen C0677776, MeSH D061325, MONDO:0003582. Disease mechanism: loss of function.

Allele frequency attached by ClinVar (database versions not stated): ExAC 0.00296; 1000 Genomes Project 30x 0.00125; 1000 Genomes Project 0.00160; TOPMed 0.00190; gnomAD 0.00221 and 0.00228; ESP Exome Variant Server 0.00277.
gnomAD v4.1: 4,186 of 1,614,050 alleles (0.26%); highest among the groups gnomAD compares: Middle Eastern, 0.48%; 9 homozygotes.

Submissions 1 to 20 of 36:

Evidence-based Network for the Interpretation of Germline Mutant Alleles (ENIGMA)
Classification: Benign for Breast-ovarian cancer, familial, susceptibility to, 2. Last evaluated: 2017-06-29. Review status: reviewed by expert panel. Criteria: ENIGMA BRCA1/2 Classification Criteria (2017-06-29). Collection method: curation. Allele origin: germline.
Comment: Synonymous substitution variant, with low bioinformatic likelihood to alter mRNA splicing (splicing prior 0.02) and frequency 0.0049 (Non-Finnish European), 0.003 (Finnish), 0.0012 (South Asian), derived from ExAC (2014-12-17).

CeGaT Center for Human Genetics Tuebingen
Classification: Likely benign. Last evaluated: 2026-09-01. Review status: criteria provided, single submitter. Criteria: CeGaT Center For Human Genetics Tuebingen Variant Classification Criteria Version 2. Collection method: clinical testing. Allele origin: germline. Affected: yes. Observed: 77 variant alleles. Not counted in ClinVar's aggregate classification.
Comment: BRCA2: BP4, BP7

Labcorp Genetics (formerly Invitae), Labcorp
Classification: Benign for Hereditary breast ovarian cancer syndrome. Last evaluated: 2026-02-04. Review status: criteria provided, single submitter. Criteria: Invitae Variant Classification Sherloc (09022015). Collection method: clinical testing. Allele origin: germline. Not counted in ClinVar's aggregate classification.

ARUP Laboratories, Molecular Genetics and Genomics, ARUP Laboratories
Classification: Benign. Last evaluated: 2025-07-31. Review status: criteria provided, single submitter. Criteria: ARUP Molecular Germline Variant Investigation Process 2024. Collection method: clinical testing. Allele origin: germline. Not counted in ClinVar's aggregate classification.

Center for Genomic Medicine, Rigshospitalet, Copenhagen University Hospital
Classification: Benign. Last evaluated: 2025-03-04. Review status: criteria provided, single submitter. Criteria: ACMG Guidelines, 2015. Collection method: clinical testing. Allele origin: germline. Not counted in ClinVar's aggregate classification.

KCCC/NGS Laboratory, Kuwait Cancer Control Center
Classification: Benign for Familial cancer of breast. Last evaluated: 2025-02-01. Review status: criteria provided, single submitter. Criteria: ACMG Guidelines, 2015. Collection method: clinical testing. Allele origin: germline. Affected: no. Not counted in ClinVar's aggregate classification.

Blueprint Genetics
Classification: Benign. Last evaluated: 2024-11-25. Review status: criteria provided, single submitter. Criteria: ACMG Guidelines, 2015. Collection method: clinical testing. Allele origin: germline. Not counted in ClinVar's aggregate classification.

KCCC/NGS Laboratory, Kuwait Cancer Control Center
Classification: Benign for Breast-ovarian cancer, familial, susceptibility to, 2. Last evaluated: 2023-07-07. Review status: criteria provided, single submitter. Criteria: ACMG Guidelines, 2015. Collection method: clinical testing. Allele origin: germline. Affected: yes. Not counted in ClinVar's aggregate classification.

Fulgent Genetics
Classification: Benign for Familial cancer of breast; Medulloblastoma; Familial prostate cancer; Wilms tumor 1; Fanconi anemia complementation group D1; Breast-ovarian cancer, familial, susceptibility to, 2; Glioma susceptibility 3; Pancreatic cancer, susceptibility to, 2. Last evaluated: 2022-04-26. Review status: criteria provided, single submitter. Criteria: ACMG Guidelines, 2015. Collection method: clinical testing. Allele origin: unknown. Not counted in ClinVar's aggregate classification.

Genetic Services Laboratory, University of Chicago
Classification: Benign. Last evaluated: 2021-06-15. Review status: criteria provided, single submitter. Criteria: ACMG Guidelines, 2015. Collection method: clinical testing. Allele origin: germline. Affected: no. Not counted in ClinVar's aggregate classification.

Genetics and Molecular Pathology, SA Pathology
Classification: Benign for Breast-ovarian cancer, familial, susceptibility to, 2. Last evaluated: 2021-05-28. Review status: criteria provided, single submitter. Criteria: ACMG Guidelines, 2015. Collection method: clinical testing. Allele origin: germline. Not counted in ClinVar's aggregate classification.

Quest Diagnostics Nichols Institute San Juan Capistrano
Classification: Benign. Last evaluated: 2020-06-14. Review status: criteria provided, single submitter. Criteria: Quest Diagnostics criteria. Collection method: clinical testing. Allele origin: unknown. Not counted in ClinVar's aggregate classification.

Sema4
Classification: Benign for Hereditary cancer-predisposing syndrome. Last evaluated: 2020-02-24. Review status: criteria provided, single submitter. Criteria: Sema4 Curation Guidelines. Collection method: curation. Allele origin: germline. Not counted in ClinVar's aggregate classification.

Illumina Laboratory Services, Illumina
Classification: Likely benign for Breast-ovarian cancer, familial, susceptibility to, 2. Last evaluated: 2018-01-13. Review status: criteria provided, single submitter. Criteria: ICSL Variant Classification Criteria 13 December 2019. Collection method: clinical testing. Allele origin: germline. Not counted in ClinVar's aggregate classification.
Comment: This variant was observed in the ICSL laboratory as part of a predisposition screen in an ostensibly healthy population. It had not been previously curated by ICSL or reported in the Human Gene Mutation Database (HGMD: prior to June 1st, 2018), and was therefore a candidate for classification through an automated scoring system. Utilizing variant allele frequency, disease prevalence and penetrance estimates, and inheritance mode, an automated score was calculated to assess if this variant is too frequent to cause the disease. Based on the score and internal cut-off values, a variant classified as likely benign is not then subjected to further curation. The score for this variant resulted in a classification of likely benign for this disease.

Illumina Laboratory Services, Illumina
Classification: Likely benign for Fanconi anemia complementation group D1. Last evaluated: 2018-01-13. Review status: criteria provided, single submitter. Criteria: ICSL Variant Classification Criteria 13 December 2019. Collection method: clinical testing. Allele origin: germline. Not counted in ClinVar's aggregate classification.
Comment: the same text as in the submission from Illumina Laboratory Services, Illumina above.

Institute for Biomarker Research, Medical Diagnostic Laboratories, L.L.C.
Classification: Likely benign for Hereditary cancer-predisposing syndrome. Last evaluated: 2017-07-12. Review status: criteria provided, single submitter. Criteria: ACMG Guidelines, 2015. Collection method: clinical testing. Allele origin: germline. Not counted in ClinVar's aggregate classification.

PreventionGenetics, part of Exact Sciences
Classification: Benign. Last evaluated: 2017-07-11. Review status: criteria provided, single submitter. Criteria: ACMG Guidelines, 2015. Collection method: clinical testing. Allele origin: germline. Not counted in ClinVar's aggregate classification.

Cancer Genetics and Genomics Laboratory, British Columbia Cancer Agency
Classification: Benign. Last evaluated: 2017-04-18. Review status: criteria provided, single submitter. Criteria: ACMG Guidelines, 2015. Collection method: clinical testing. Allele origin: germline. Study: The Canadian Open Genetics Repository (COGR). Not counted in ClinVar's aggregate classification.

CHEO Genetics Diagnostic Laboratory, Children's Hospital of Eastern Ontario
Classification: Likely benign for Breast and/or ovarian cancer. Last evaluated: 2016-06-01. Review status: criteria provided, single submitter. Criteria: ACMG Guidelines, 2015. Collection method: clinical testing. Allele origin: germline. Study: Canadian Open Genetics Repository. Not counted in ClinVar's aggregate classification.

Molecular Genetics Laboratory, University of Michigan
Classification: Benign for Breast-ovarian cancer, familial, susceptibility to, 2. Last evaluated: 2016-04-21. Review status: criteria provided, single submitter. Criteria: ACMG Guidelines, 2015. Collection method: clinical testing. Allele origin: germline. Affected: yes. Not counted in ClinVar's aggregate classification.

NM_000059.4(BRCA2):c.3516G>A (p.Ser1172=)

Gene: BRCA2 (BRCA2 DNA repair associated; plus strand). Cytogenetic location: 13q13.1.
Variant type: single nucleotide variant.
Coding change: c.3516G>A on transcript NM_000059.4 (MANE Select); coding-DNA position 3516, G replaced by A.
Protein change: p.Ser1172=; no amino-acid change (serine 1172 retained).
Molecular consequence: synonymous variant.
Genome position (GRCh38, 1-based): chr13:32,337,871, G>A. VCF-style: chr13-32337871-G-A. GRCh37 (hg19) VCF-style: chr13-32912008-G-A.
Other names: 3744G/A; 3744G>A; S1172S.
Identifiers: ClinVar variation 51481 (VCV000051481.127), dbSNP rs1799952, ClinGen allele CA018238.